The following is an entry in ClinVar:

ClinVar aggregate classification (germline): Pathogenic (1 of 4 stars; one submission).

Conditions:
Salla disease (SD). Also called: Less Severe FSASD (Salla Disease); Sialuria, Finnish type; N-acetylneuraminic acid (NANA) storage disease (NSD); Infantile sialic acid storage disorder (ISSD). Identifiers: Orphanet 309334, Orphanet 834, MedGen C1096903, MONDO:0011449, OMIM 604369.

Submission:

Labcorp Genetics (formerly Invitae), Labcorp
Classification: Pathogenic for Salla disease. Last evaluated: 2023-07-10. Review status: criteria provided, single submitter. Criteria: Invitae Variant Classification Sherloc (09022015). Collection method: clinical testing. Allele origin: germline.
Comment: For these reasons, this variant has been classified as Pathogenic. This variant has not been reported in the literature in individuals affected with SLC17A5-related conditions. This variant is not present in population databases (gnomAD no frequency). This sequence change creates a premature translational stop signal (p.Ser332Hisfs*5) in the SLC17A5 gene. It is expected to result in an absent or disrupted protein product. Loss-of-function variants in SLC17A5 are known to be pathogenic (PMID: 10581036, 10947946, 15172001).

Literature cited by the submitters: PubMed 10581036; PubMed 10947946; PubMed 15172001.

NM_012434.5(SLC17A5):c.994del (p.Ser332fs)

Gene: SLC17A5 (solute carrier family 17 member 5; minus strand). Cytogenetic location: 6q13.
Variant type: Deletion.
Coding change: c.994del on transcript NM_012434.5 (MANE Select); coding-DNA position 994, one base deleted (T; older notation c.994delT).
Protein change: p.Ser332fs; shifts the reading frame from serine 332.
Molecular consequence: frameshift variant.
Genome position (GRCh38, 1-based): chr6:73,615,432, A deleted on the plus strand (T on the coding strand, the reverse complement: SLC17A5 is on the minus strand); the first of 2 consecutive A bases (chr6:73,615,432-73,615,433); deleting either gives the same sequence. VCF-style (leftmost placement, unchanged base first): chr6-73615431-GA-G. GRCh37 (hg19) VCF-style: chr6-74325154-GA-G.
Other names: c.763del, p.Ser255fs (NM_001382629.1); c.994del, p.Ser332fs (NM_001382630.1, NM_001382633.1); c.1015del, p.Ser339fs (NM_001382631.1); c.907del, p.Ser303fs (NM_001382632.1); c.835del, p.Ser279fs (NM_001382634.1); c.991del, p.Ser331fs (NM_001382635.1); c.676del, p.Ser226fs (NM_001382636.1); short protein forms S226fs, S279fs, S303fs, S332fs, S339fs, S255fs, S331fs.
Identifiers: ClinVar variation 2740618 (VCV002740618.3), dbSNP rs2533429691, ClinGen allele CA2697553543.